The following is an entry in ClinVar:

NM_002778.4(PSAP):c.1514A>G (p.Asn505Ser)

Gene: PSAP (prosaposin; minus strand). Cytogenetic location: 10q22.1.
Variant type: single nucleotide variant.
Coding change: c.1514A>G on transcript NM_002778.4 (MANE Select); coding-DNA position 1514, A replaced by G.
Protein change: p.Asn505Ser; replaces asparagine 505 with serine.
Molecular consequence: missense variant.
Genome position (GRCh38, 1-based): chr10:71,818,642, T>C on the plus strand (A>G on the coding strand, the complement: PSAP is on the minus strand). VCF-style: chr10-71818642-T-C. GRCh37 (hg19) VCF-style: chr10-73578399-T-C.
Other names: c.1523A>G, p.Asn508Ser (NM_001042465.3); c.1520A>G, p.Asn507Ser (NM_001042466.3); short protein forms N508S, N505S, N507S.
Identifiers: ClinVar variation 2197641 (VCV002197641.4), dbSNP rs781180772, ClinGen allele CA5547325.

ClinVar aggregate classification (germline): Uncertain significance (1 of 4 stars; one submission).

Conditions:
Sphingolipid activator protein 1 deficiency. Also called: METACHROMATIC LEUKODYSTROPHY DUE TO CEREBROSIDE SULFATASE ACTIVATOR DEFICIENCY; Saposin B Deficiency; Metachromatic leukodystrophy due to saposin B deficiency. Identifiers: Orphanet 512, MedGen C0268262, MONDO:0009590, OMIM 249900.

Allele frequency attached by ClinVar (database versions not stated): ExAC 0.00001; gnomAD exomes 0.00001; gnomAD 0.00002; TOPMed 0.00002.
gnomAD v4.1: 15 of 1,613,866 alleles (0.00093%); highest among the groups gnomAD compares: Non-Finnish European, 0.0013%; no homozygotes.

Submission:

Labcorp Genetics (formerly Invitae), Labcorp
Classification: Uncertain significance for Sphingolipid activator protein 1 deficiency. Last evaluated: 2022-02-08. Review status: criteria provided, single submitter. Criteria: Invitae Variant Classification Sherloc (09022015). Collection method: clinical testing. Allele origin: germline.
Comment: This variant is present in population databases (rs781180772, gnomAD 0.0009%). This sequence change replaces asparagine, which is neutral and polar, with serine, which is neutral and polar, at codon 505 of the PSAP protein (p.Asn505Ser). This variant has not been reported in the literature in individuals affected with PSAP-related conditions. Algorithms developed to predict the effect of missense changes on protein structure and function output the following: SIFT: "Not Available"; PolyPhen-2: "Benign"; Align-GVGD: "Not Available". The serine amino acid residue is found in multiple mammalian species, which suggests that this missense change does not adversely affect protein function. In summary, the available evidence is currently insufficient to determine the role of this variant in disease. Therefore, it has been classified as a Variant of Uncertain Significance.